The following is an entry in ClinVar:

ClinVar aggregate classification (germline): Likely pathogenic. Review status: criteria provided, multiple submitters, no conflicts (2 of 4 stars). 2 submissions from 2 submitters: Likely pathogenic (2). Last evaluated 2023-08-14.

Conditions:
Dilated cardiomyopathy 1G (CMD1G). Identifiers: Orphanet 154, MedGen C1858763, MONDO:0011400, OMIM 604145.
Autosomal recessive limb-girdle muscular dystrophy type 2J (LGMDR10). Also called: Limb-girdle muscular dystrophy, type 2J; MUSCULAR DYSTROPHY, LIMB-GIRDLE, AUTOSOMAL RECESSIVE 10. Identifiers: Orphanet 140922, MedGen C1837342, MONDO:0012127, OMIM 608807.

Submissions (2):

Clinical Genomics Laboratory, Stanford Medicine
Classification: Likely pathogenic for Dilated cardiomyopathy 1G. Last evaluated: 2023-08-14. Review status: criteria provided, single submitter. Criteria: ACMG Guidelines, 2015. Collection method: clinical testing. Allele origin: germline. Inheritance: Autosomal dominant inheritance. Affected: yes. Observed: 1 variant allele, 1 heterozygote.
Comment: The p.Trp16202* variant in the TTN gene has not been previously reported in association with disease. This variant was absent from large population databases, including the Genome Aggregation Database. This variant leads to a premature stop codon in exon 259 of 363 exons, which may cause loss of normal protein function through either protein truncation or nonsense-mediated decay. This variant is located in the A-band of the titin protein. Loss-of-function variants in the A-band have an established association with dilated cardiomyopathy (Morales et al., 2020). These data were assessed using the ACMG/AMP variant interpretation guidelines. In summary, there is sufficient evidence to classify the p.Trp16202* variant as likely pathogenic for autosomal dominant dilated cardiomyopathy based on the information above. [ACMG evidence codes used: PVS1_Strong; PM2]

Labcorp Genetics (formerly Invitae), Labcorp
Classification: Likely pathogenic for Dilated cardiomyopathy 1G; Autosomal recessive limb-girdle muscular dystrophy type 2J. Last evaluated: 2023-05-01. Review status: criteria provided, single submitter. Criteria: Invitae Variant Classification Sherloc (09022015). Collection method: clinical testing. Allele origin: germline.
Comment: This variant is located in the A band of TTN (PMID: 25589632). Truncating variants in this region are significantly overrepresented in patients affected with dilated cardiomyopathy (PMID: 25589632). Truncating variants in this region have also been reported in individuals affected with autosomal recessive centronuclear myopathy (PMID: 23975875). In summary, the currently available evidence indicates that the variant is pathogenic, but additional data are needed to prove that conclusively. Therefore, this variant has been classified as Likely Pathogenic. This variant has not been reported in the literature in individuals affected with TTN-related conditions. This variant is not present in population databases (gnomAD no frequency). This sequence change creates a premature translational stop signal (p.Trp16202*) in the TTN gene. While this is not anticipated to result in nonsense mediated decay, it is expected to create a truncated TTN protein.

Literature cited by the submitters: PubMed 32160020 (cited by Clinical Genomics Laboratory, Stanford Medicine); PubMed 25589632 (cited by Labcorp Genetics (formerly Invitae), Labcorp); PubMed 23975875 (cited by Labcorp Genetics (formerly Invitae), Labcorp).

NM_001267550.2(TTN):c.48606G>A (p.Trp16202Ter)

Genes: TTN (titin; minus strand), TTN-AS1 (TTN antisense RNA 1; plus strand). Cytogenetic location: 2q31.2.
Variant type: single nucleotide variant.
Coding change: c.48606G>A on transcript NM_001267550.2 (MANE Select); coding-DNA position 48606, G replaced by A.
Protein change: p.Trp16202Ter; replaces tryptophan 16202 with a stop codon.
Molecular consequence: nonsense. On other transcripts: non-coding transcript variant (1).
Genome position (GRCh38, 1-based): chr2:178,615,339, C>T on the plus strand (G>A on the coding strand, the complement: TTN is on the minus strand). VCF-style: chr2-178615339-C-T. GRCh37 (hg19) VCF-style: chr2-179480066-C-T.
Other names: c.43683G>A, p.Trp14561Ter (NM_001256850.1); c.21411G>A, p.Trp7137Ter (NM_003319.4); c.40902G>A, p.Trp13634Ter (NM_133378.4); c.21786G>A, p.Trp7262Ter (NM_133432.3); c.21987G>A, p.Trp7329Ter (NM_133437.4); short protein forms W14561*, W7262*, W7329*, W13634*, W16202*, W7137*.
Identifiers: ClinVar variation 2947389 (VCV002947389.4), dbSNP rs2470732349, ClinGen allele CA349608873.